The following is an entry in ClinVar:

ClinVar aggregate classification (germline): Uncertain significance (1 of 4 stars; one submission).

Conditions:
Bloom syndrome (BLM). Also called: Bloom-Torre-Machacek syndrome. Identifiers: Orphanet 125, MedGen C0005859, MONDO:0008876, OMIM 210900.

Submission:

Labcorp Genetics (formerly Invitae), Labcorp
Classification: Uncertain significance for Bloom syndrome. Last evaluated: 2025-05-27. Review status: criteria provided, single submitter. Criteria: Invitae Variant Classification Sherloc (09022015). Collection method: clinical testing. Allele origin: germline.
Comment: This sequence change replaces threonine, which is neutral and polar, with lysine, which is basic and polar, at codon 298 of the BLM protein (p.Thr298Lys). This variant is not present in population databases (gnomAD no frequency). This variant has not been reported in the literature in individuals affected with BLM-related conditions. Invitae Evidence Modeling of protein sequence and biophysical properties (such as structural, functional, and spatial information, amino acid conservation, physicochemical variation, residue mobility, and thermodynamic stability) indicates that this missense variant is not expected to disrupt BLM protein function with a negative predictive value of 80%. In summary, the available evidence is currently insufficient to determine the role of this variant in disease. Therefore, it has been classified as a Variant of Uncertain Significance.

NM_000057.4(BLM):c.893C>A (p.Thr298Lys)

Gene: BLM (BLM RecQ like helicase; plus strand). Cytogenetic location: 15q26.1.
Variant type: single nucleotide variant.
Coding change: c.893C>A on transcript NM_000057.4 (MANE Select); coding-DNA position 893, C replaced by A.
Protein change: p.Thr298Lys; replaces threonine 298 with lysine.
Molecular consequence: missense variant. On other transcripts: 5 prime UTR variant (1).
Genome position (GRCh38, 1-based): chr15:90,751,880, C>A. VCF-style: chr15-90751880-C-A. GRCh37 (hg19) VCF-style: chr15-91295110-C-A.
Other names: c.893C>A, p.Thr298Lys (NM_001287246.2, NM_001287247.2); c.-399C>A (NM_001287248.2); short protein forms T298K.
Identifiers: ClinVar variation 4770096 (VCV004770096.1).